The following is an entry in ClinVar:

ClinVar aggregate classification (germline): Uncertain significance (1 of 4 stars; one submission).

Submission:

GeneDx
Classification: Uncertain significance. Last evaluated: 2024-08-23. Review status: criteria provided, single submitter. Criteria: GeneDx Variant Classification Process June 2021. Collection method: clinical testing. Allele origin: germline. Affected: yes.
Comment: Not observed at significant frequency in large population cohorts (gnomAD); In silico analysis supports that this missense variant has a deleterious effect on protein structure/function; Has not been previously published as pathogenic or benign to our knowledge

NM_016938.5(EFEMP2):c.436T>C (p.Ser146Pro)

Gene: EFEMP2 (EGF containing fibulin extracellular matrix protein 2; minus strand). Cytogenetic location: 11q13.1.
Variant type: single nucleotide variant.
Coding change: c.436T>C on transcript NM_016938.5 (MANE Select); coding-DNA position 436, T replaced by C.
Protein change: p.Ser146Pro; replaces serine 146 with proline.
Molecular consequence: missense variant. On other transcripts: non-coding transcript variant (1).
Genome position (GRCh38, 1-based): chr11:65,870,590, A>G on the plus strand (T>C on the coding strand, the complement: EFEMP2 is on the minus strand). VCF-style: chr11-65870590-A-G. GRCh37 (hg19) VCF-style: chr11-65638061-A-G.
Other names: short protein forms S146P.
Identifiers: ClinVar variation 3764258 (VCV003764258.1).